The following is an entry in ClinVar:

ClinVar aggregate classification (germline): Uncertain significance. Review status: criteria provided, multiple submitters, no conflicts (2 of 4 stars). 2 submissions from 2 submitters: Uncertain significance (2). Last evaluated 2024-05-06.

Conditions:
Maple syrup urine disease (MSUD). Identifiers: Orphanet 511, MedGen C0024776, MeSH D008375, MONDO:0009563. Disease mechanism: loss of function.

Allele frequency attached by ClinVar (database versions not stated): TOPMed below 0.00001.

Submissions (2):

GeneDx
Classification: Uncertain significance. Last evaluated: 2024-05-06. Review status: criteria provided, single submitter. Criteria: GeneDx Variant Classification Process June 2021. Collection method: clinical testing. Allele origin: germline. Affected: yes.
Comment: Not observed at significant frequency in large population cohorts (gnomAD); In silico analysis supports that this missense variant has a deleterious effect on protein structure/function; Has not been previously published as pathogenic or benign to our knowledge

Labcorp Genetics (formerly Invitae), Labcorp
Classification: Uncertain significance for Maple syrup urine disease. Last evaluated: 2021-09-01. Review status: criteria provided, single submitter. Criteria: Invitae Variant Classification Sherloc (09022015). Collection method: clinical testing. Allele origin: germline.
Comment: This sequence change replaces glutamic acid with valine at codon 372 of the BCKDHB protein (p.Glu372Val). The glutamic acid residue is highly conserved and there is a moderate physicochemical difference between glutamic acid and valine. This variant is not present in population databases (ExAC no frequency). This variant has not been reported in the literature in individuals affected with BCKDHB-related conditions. Algorithms developed to predict the effect of missense changes on protein structure and function are either unavailable or do not agree on the potential impact of this missense change (SIFT: "Deleterious"; PolyPhen-2: "Probably Damaging"; Align-GVGD: "Class C0"). In summary, the available evidence is currently insufficient to determine the role of this variant in disease. Therefore, it has been classified as a Variant of Uncertain Significance.

NM_183050.4(BCKDHB):c.1115A>T (p.Glu372Val)

Gene: BCKDHB (branched chain keto acid dehydrogenase E1 subunit beta; plus strand). Cytogenetic location: 6q14.1.
Variant type: single nucleotide variant.
Coding change: c.1115A>T on transcript NM_183050.4 (MANE Select); coding-DNA position 1115, A replaced by T.
Protein change: p.Glu372Val; replaces glutamic acid 372 with valine.
Molecular consequence: missense variant. On other transcripts: non-coding transcript variant (1).
Genome position (GRCh38, 1-based): chr6:80,343,740, A>T. VCF-style: chr6-80343740-A-T. GRCh37 (hg19) VCF-style: chr6-81053457-A-T.
Other names: c.1115A>T, p.Glu372Val (NM_000056.5); c.905A>T, p.Glu302Val (NM_001318975.1); short protein forms E372V, E302V.
Identifiers: ClinVar variation 527133 (VCV000527133.7), dbSNP rs1554216344, ClinGen allele CA365021514.